The following is an entry in ClinVar:

ClinVar aggregate classification (germline): Pathogenic (1 of 4 stars; one submission).

Conditions:
Familial cancer of breast. Also called: hereditary breast carcinoma; BREAST CANCER, FAMILIAL; Hereditary breast cancer. Identifiers: Orphanet 227535, MedGen C0346153, MONDO:0016419, OMIM 114480. Disease mechanism: loss of function.

Submission:

Labcorp Genetics (formerly Invitae), Labcorp
Classification: Pathogenic for Familial cancer of breast. Last evaluated: 2024-06-14. Review status: criteria provided, single submitter. Criteria: Invitae Variant Classification Sherloc (09022015). Collection method: clinical testing. Allele origin: germline.
Comment: This sequence change creates a premature translational stop signal (p.Tyr220Cysfs*13) in the CHEK2 gene. It is expected to result in an absent or disrupted protein product. Loss-of-function variants in CHEK2 are known to be pathogenic (PMID: 21876083, 24713400). This variant is not present in population databases (gnomAD no frequency). This variant has not been reported in the literature in individuals affected with CHEK2-related conditions. For these reasons, this variant has been classified as Pathogenic.

Literature cited by the submitters: PubMed 21876083; PubMed 24713400.

NM_007194.4(CHEK2):c.659_665del (p.Tyr220fs)

Gene: CHEK2 (checkpoint kinase 2; minus strand). Cytogenetic location: 22q12.1.
Variant type: Deletion.
Coding change: c.659_665del on transcript NM_007194.4 (MANE Select); coding-DNA positions 659 to 665, 7 bases deleted (ACATCAT; older notation c.659_665delACATCAT).
Protein change: p.Tyr220fs; shifts the reading frame from tyrosine 220.
Molecular consequence: frameshift variant. On other transcripts: initiator codon variant (2), intron variant (1).
Genome position (GRCh38, 1-based): chr22:28,719,413-28,719,419, ATGATGT deleted on the plus strand (ACATCAT on the coding strand, the reverse complement: CHEK2 is on the minus strand); deleting any 7 consecutive bases within chr22:28,719,413-28,719,421 gives the same sequence; the c. name uses the placement nearest the transcript's 3' end. VCF-style (leftmost placement, unchanged base first): chr22-28719412-CATGATGT-C. GRCh37 (hg19) VCF-style: chr22-29115400-CATGATGT-C.
Other names: c.788_794del, p.Tyr263fs (NM_001005735.3, NM_001438294.1); c.-5_2del, p.Met1fs (NM_001257387.3, NM_001437942.1); c.752_758del, p.Tyr251fs (NM_001438293.1, NM_001438295.1); c.659_665del, p.Tyr220fs (NM_145862.3); c.482+5467_482+5473del (NM_001349956.3); short protein forms M1fs, Y263fs, Y220fs, Y251fs.
Identifiers: ClinVar variation 3656651 (VCV003656651.2).